The following is an entry in ClinVar:

NM_033118.4(MYLK2):c.294C>T (p.Pro98=)

Gene: MYLK2 (myosin light chain kinase 2; plus strand). Cytogenetic location: 20q11.21.
Variant type: single nucleotide variant.
Coding change: c.294C>T on transcript NM_033118.4 (MANE Select); coding-DNA position 294, C replaced by T.
Protein change: p.Pro98=; no amino-acid change (proline 98 retained).
Molecular consequence: synonymous variant.
Genome position (GRCh38, 1-based): chr20:31,820,367, C>T. VCF-style: chr20-31820367-C-T. GRCh37 (hg19) VCF-style: chr20-30408170-C-T.
Identifiers: ClinVar variation 682233 (VCV000682233.10), dbSNP rs373609417, ClinGen allele CA9802889.

ClinVar aggregate classification (germline): Likely benign. Review status: criteria provided, multiple submitters, no conflicts (2 of 4 stars). 4 submissions from 4 submitters: Likely benign (4). Last evaluated 2025-06-26.

Conditions:
Hypertrophic cardiomyopathy 1 (CMH1). Also called: Familial hypertrophic cardiomyopathy 1; MYH7-Related Familial Hypertrophic Cardiomyopathy. Identifiers: MedGen C3495498, MONDO:0008647, OMIM 192600.

Allele frequency attached by ClinVar (database versions not stated): ExAC 0.00001; gnomAD 0.00001; TOPMed 0.00001; gnomAD exomes 0.00002 and 0.00005; ESP Exome Variant Server 0.00008.
gnomAD v4.1: 77 of 1,612,584 alleles (0.0048%); highest among the groups gnomAD compares: Non-Finnish European, 0.0057%; no homozygotes.

Submissions (4):

Women's Health and Genetics/Laboratory Corporation of America, LabCorp
Classification: Likely benign. Last evaluated: 2025-06-26. Review status: criteria provided, single submitter. Criteria: LabCorp Variant Classification Summary - May 2015. Collection method: clinical testing. Allele origin: germline.

Ambry Genetics
Classification: Likely benign. Last evaluated: 2025-06-23. Review status: criteria provided, single submitter. Criteria: Ambry Variant Classification Scheme 2023. Collection method: clinical testing. Allele origin: germline.

Labcorp Genetics (formerly Invitae), Labcorp
Classification: Likely benign for Hypertrophic cardiomyopathy 1. Last evaluated: 2024-12-15. Review status: criteria provided, single submitter. Criteria: Invitae Variant Classification Sherloc (09022015). Collection method: clinical testing. Allele origin: germline.

GeneDx
Classification: Likely benign. Last evaluated: 2018-04-23. Review status: criteria provided, single submitter. Criteria: GeneDx Variant Classification (06012015). Collection method: clinical testing. Allele origin: germline. Affected: yes.
Comment: This variant is considered likely benign or benign based on one or more of the following criteria: it is a conservative change, it occurs at a poorly conserved position in the protein, it is predicted to be benign by multiple in silico algorithms, and/or has population frequency not consistent with disease.